The following is an entry in ClinVar:

ClinVar aggregate classification (germline): Uncertain significance (1 of 4 stars; one submission).

Conditions:
Inborn genetic diseases. Identifiers: MedGen C0950123, MeSH D030342.

gnomAD v4.1: 2 of 1,611,614 alleles (0.00012%); highest among the groups gnomAD compares: Non-Finnish European, 0.00017%; no homozygotes.

Submission:

Ambry Genetics
Classification: Uncertain significance for Inborn genetic diseases. Last evaluated: 2025-03-22. Review status: criteria provided, single submitter. Criteria: Ambry Variant Classification Scheme 2023. Collection method: clinical testing. Allele origin: germline.
Comment: The p.W555R variant (also known as c.1663T>C), located in coding exon 15 of the KDM1A gene, results from a T to C substitution at nucleotide position 1663. The tryptophan at codon 555 is replaced by arginine, an amino acid with dissimilar properties. This amino acid position is conserved. In addition, this alteration is predicted to be deleterious by in silico analysis. Based on the available evidence, the clinical significance of this variant remains unclear.

NM_001009999.3(KDM1A):c.1663T>C (p.Trp555Arg)

Gene: KDM1A (lysine demethylase 1A; plus strand). Cytogenetic location: 1p36.12.
Variant type: single nucleotide variant.
Coding change: c.1663T>C on transcript NM_001009999.3 (MANE Select); coding-DNA position 1663, T replaced by C.
Protein change: p.Trp555Arg; replaces tryptophan 555 with arginine.
Molecular consequence: missense variant.
Genome position (GRCh38, 1-based): chr1:23,073,332, T>C. VCF-style: chr1-23073332-T-C. GRCh37 (hg19) VCF-style: chr1-23399825-T-C.
Other names: c.1609T>C, p.Trp537Arg (NM_001363654.2); c.1669T>C, p.Trp557Arg (NM_001410762.1); c.1591T>C, p.Trp531Arg (NM_001410763.1, NM_015013.4); short protein forms W537R, W555R, W531R, W557R.
Identifiers: ClinVar variation 4042055 (VCV004042055.1).
Genomic context (GRCh38, chr1:23,073,332, plus strand): 5'-AGTCCTTTGTTCTTTTGCAGTGATGTATATCTCTCATCAAGAGACAGACAAATACTTGAT[T>C]GGCATTTTGCAAATCTTGAATTTGCTAATGCCACACCTCTCTCAACTCTCTCCCTTAAGC-3'
Protein context (NP_001009999.1, residues 545-565): LSSRDRQILD[Trp555Arg]HFANLEFANA